The following is an entry in ClinVar:

ClinVar aggregate classification (germline): Likely benign. Review status: criteria provided, multiple submitters, no conflicts (2 of 4 stars). 5 submissions from 5 submitters: Likely benign (3). 2 of the submissions do not count toward it. Last evaluated 2025-04-28.

Conditions:
Long QT syndrome (LQTS). Identifiers: MedGen C0023976, MeSH D008133, MONDO:0002442. Disease mechanism: loss of function. Inheritance: Various modes of inheritance.
Cardiovascular phenotype. Identifiers: MedGen CN230736.

Allele frequency attached by ClinVar (database versions not stated): TOPMed below 0.00001; ExAC 0.00002; gnomAD exomes 0.00004.
gnomAD v4.1: 53 of 1,613,502 alleles (0.0033%); highest among the groups gnomAD compares: South Asian, 0.02%; 1 homozygote.

Submissions (5):

Labcorp Genetics (formerly Invitae), Labcorp
Classification: Likely benign for Long QT syndrome. Last evaluated: 2025-04-28. Review status: criteria provided, single submitter. Criteria: Invitae Variant Classification Sherloc (09022015). Collection method: clinical testing. Allele origin: germline.

Ambry Genetics
Classification: Likely benign for Cardiovascular phenotype. Last evaluated: 2019-08-19. Review status: criteria provided, single submitter. Criteria: Ambry Variant Classification Scheme 2023. Collection method: clinical testing. Allele origin: germline.

GeneDx
Classification: Likely benign. Last evaluated: 2016-03-28. Review status: criteria provided, single submitter. Criteria: GeneDx Variant Classification (06012015). Collection method: clinical testing. Allele origin: germline. Affected: yes.
Comment: This variant is considered likely benign or benign based on one or more of the following criteria: it is a conservative change, it occurs at a poorly conserved position in the protein, it is predicted to be benign by multiple in silico algorithms, and/or has population frequency not consistent with disease.

Clinical Genetics, Academic Medical Center
Classification: Benign. Review status: no assertion criteria provided. Collection method: clinical testing. Allele origin: germline. Affected: yes. Study: VKGL Data-share Consensus. Not counted in ClinVar's aggregate classification.

Joint Genome Diagnostic Labs from Nijmegen and Maastricht, Radboudumc and MUMC+
Classification: Likely benign. Review status: no assertion criteria provided. Collection method: clinical testing. Allele origin: germline. Affected: yes. Study: VKGL Data-share Consensus. Not counted in ClinVar's aggregate classification.

NM_001148.6(ANK2):c.2265C>T (p.Asn755=)

Gene: ANK2 (ankyrin 2; plus strand). Cytogenetic location: 4q26.
Variant type: single nucleotide variant.
Coding change: c.2265C>T on transcript NM_001148.6 (MANE Select); coding-DNA position 2265, C replaced by T.
Protein change: p.Asn755=; no amino-acid change (asparagine 755 retained).
Molecular consequence: synonymous variant.
Genome position (GRCh38, 1-based): chr4:113,288,474, C>T. VCF-style: chr4-113288474-C-T. GRCh37 (hg19) VCF-style: chr4-114209630-C-T.
Other names: c.2079C>T, p.Asn693= (NM_001386151.1, NM_001354260.2, NM_001354271.2); c.2310C>T, p.Asn770= (NM_001386152.1, NM_001354231.2, NM_001354237.2 and 5 more transcripts); c.2178C>T, p.Asn726= (NM_001386153.1, NM_001386154.1, NM_001386162.1 and 10 more transcripts); c.2103C>T, p.Asn701= (NM_001386156.1, NM_001354253.2, NM_001354257.2 and 1 more transcripts); c.1980C>T, p.Asn660= (NM_001386157.1, NM_001354277.2); c.1881C>T, p.Asn627= (NM_001386158.1); c.2223C>T, p.Asn741= (NM_001386160.1, NM_001354261.2, NM_001386147.1); c.2202C>T, p.Asn734= (NM_001386161.1, NM_001354239.2, NM_001354243.2 and 10 more transcripts); and 8 more.
Identifiers: ClinVar variation 385120 (VCV000385120.14), dbSNP rs765273107, ClinGen allele CA3050491.